The following is an entry in ClinVar:

NM_001308093.3(GATA4):c.560C>G (p.Pro187Arg)

Gene: GATA4 (GATA binding protein 4). Cytogenetic location: 8p23.1.
Variant type: single nucleotide variant.
Coding change: c.560C>G on transcript NM_001308093.3 (MANE Select); coding-DNA position 560, C replaced by G.
Protein change: p.Pro187Arg; replaces proline 187 with arginine.
Molecular consequence: missense variant. On other transcripts: intron variant (3).
Genome position (GRCh38, 1-based): chr8:11,708,872, C>G. VCF-style: chr8-11708872-C-G. GRCh37 (hg19) VCF-style: chr8-11566381-C-G.
Other names: c.560C>G, p.Pro187Arg (NM_002052.5); c.-6+8094C>G (NM_001308094.2); c.-3+858C>G (NM_001374274.1); c.-3+4568C>G (NM_001374273.1); short protein forms P187R.
Identifiers: ClinVar variation 2057038 (VCV002057038.4), dbSNP rs1800028058, ClinGen allele CA370309885.

ClinVar aggregate classification (germline): Uncertain significance (1 of 4 stars; one submission).

Conditions:
Atrioventricular septal defect 4 (AVSD4). Identifiers: MedGen C3280781, MONDO:0013747, OMIM 614430.

Allele frequency attached by ClinVar (database versions not stated): TOPMed below 0.00001.
gnomAD v4.1: 1 of 1,516,854 alleles (0.000066%); highest among the groups gnomAD compares: Non-Finnish European, 0.000088%; no homozygotes.

Submission:

Labcorp Genetics (formerly Invitae), Labcorp
Classification: Uncertain significance for Atrioventricular septal defect 4. Last evaluated: 2023-04-12. Review status: criteria provided, single submitter. Criteria: Invitae Variant Classification Sherloc (09022015). Collection method: clinical testing. Allele origin: germline.
Comment: This sequence change replaces proline, which is neutral and non-polar, with arginine, which is basic and polar, at codon 187 of the GATA4 protein (p.Pro187Arg). This variant is not present in population databases (gnomAD no frequency). This variant has not been reported in the literature in individuals affected with GATA4-related conditions. ClinVar contains an entry for this variant (Variation ID: 2057038). Advanced modeling of protein sequence and biophysical properties (such as structural, functional, and spatial information, amino acid conservation, physicochemical variation, residue mobility, and thermodynamic stability) performed at Invitae indicates that this missense variant is not expected to disrupt GATA4 protein function. In summary, the available evidence is currently insufficient to determine the role of this variant in disease. Therefore, it has been classified as a Variant of Uncertain Significance.